The following is an entry in ClinVar:

NM_005529.7(HSPG2):c.*626C>G

Genes: LDLRAD2 (low density lipoprotein receptor class A domain containing 2; plus strand), HSPG2 (heparan sulfate proteoglycan 2; minus strand). Cytogenetic location: 1p36.12.
Variant type: single nucleotide variant.
Coding change: c.*626C>G on transcript NM_005529.7 (MANE Select); 626 bases downstream of the stop codon, C replaced by G.
Molecular consequence: 3 prime UTR variant.
Genome position (GRCh38, 1-based): chr1:21,822,690, G>C on the plus strand (C>G on the coding strand, the complement: HSPG2 is on the minus strand). VCF-style: chr1-21822690-G-C. GRCh37 (hg19) VCF-style: chr1-22149183-G-C.
Other names: c.*626C>G (NM_001291860.2); c.*475G>C (NM_001013693.3).
Identifiers: ClinVar variation 295685 (VCV000295685.6), dbSNP rs1049644, ClinGen allele CA10609881.

ClinVar aggregate classification (germline): Benign. Review status: criteria provided, multiple submitters, no conflicts (2 of 4 stars). 3 submissions from 2 submitters: Benign (3). Last evaluated 2018-01-13.

Conditions:
Lethal Kniest-like syndrome (DDSH). Also called: Dyssegmental Dysplasia. Identifiers: Orphanet 1865, MedGen C1857100, MONDO:0009140, OMIM 224410.
Schwartz-Jampel syndrome. Also called: Myotonic myopathy dwarfism chondrodystrophy and ocular and facial abnormalities. Identifiers: Orphanet 800, MedGen C0036391, MONDO:0009717.

Allele frequency attached by ClinVar (database versions not stated): TOPMed 0.29425; gnomAD 0.29929; 1000 Genomes Project 0.31989; 1000 Genomes Project 30x 0.32261.
gnomAD v4.1: 48,863 of 166,772 alleles (29%); highest among the groups gnomAD compares: African/African-American, 41%; 7,848 homozygotes.

Submissions (3):

Illumina Laboratory Services, Illumina
Classification: Benign for Schwartz-Jampel syndrome type 1. Last evaluated: 2018-01-13. Review status: criteria provided, single submitter. Criteria: ICSL Variant Classification Criteria 13 December 2019. Collection method: clinical testing. Allele origin: germline.
Comment: This variant was observed in the ICSL laboratory as part of a predisposition screen in an ostensibly healthy population. It had not been previously curated by ICSL or reported in the Human Gene Mutation Database (HGMD: prior to June 1st, 2018), and was therefore a candidate for classification through an automated scoring system. Utilizing variant allele frequency, disease prevalence and penetrance estimates, and inheritance mode, an automated score was calculated to assess if this variant is too frequent to cause the disease. Based on the score and internal cut-off values, a variant classified as benign is not then subjected to further curation. The score for this variant resulted in a classification of benign for this disease.

Illumina Laboratory Services, Illumina
Classification: Benign for Lethal Kniest-like syndrome. Last evaluated: 2018-01-13. Review status: criteria provided, single submitter. Criteria: ICSL Variant Classification Criteria 13 December 2019. Collection method: clinical testing. Allele origin: germline.
Comment: the same text as in the submission from Illumina Laboratory Services, Illumina above.

Breakthrough Genomics
Classification: Benign. Review status: criteria provided, single submitter. Criteria: ACMG Guidelines, 2015. Collection method: not provided. Allele origin: germline. Inheritance: Autosomal recessive inheritance. Affected: yes.